The following is an entry in ClinVar:

NM_173495.3(PTCHD1):c.863C>G (p.Ser288Cys)

Gene: PTCHD1 (patched domain containing 1; plus strand). Cytogenetic location: Xp22.11.
Variant type: single nucleotide variant.
Coding change: c.863C>G on transcript NM_173495.3 (MANE Select); coding-DNA position 863, C replaced by G.
Protein change: p.Ser288Cys; replaces serine 288 with cysteine.
Molecular consequence: missense variant.
Genome position (GRCh38, 1-based): chrX:23,380,102, C>G. VCF-style: chrX-23380102-C-G. GRCh37 (hg19) VCF-style: chrX-23398219-C-G.
Other names: short protein forms S288C.
Identifiers: ClinVar variation 2578099 (VCV002578099.1), dbSNP rs2518760076, ClinGen allele CA412580665.

ClinVar aggregate classification (germline): Uncertain significance (1 of 4 stars; one submission).

Submission:

GeneDx
Classification: Uncertain significance. Last evaluated: 2023-03-02. Review status: criteria provided, single submitter. Criteria: GeneDx Variant Classification Process June 2021. Collection method: clinical testing. Allele origin: germline. Affected: yes.
Comment: Not observed at significant frequency in large population cohorts (gnomAD); In silico analysis supports that this missense variant does not alter protein structure/function; Has not been previously published as pathogenic or benign to our knowledge